The following is an entry in ClinVar:

ClinVar aggregate classification (germline): Uncertain significance. Review status: criteria provided, multiple submitters, no conflicts (2 of 4 stars). 2 submissions from 2 submitters: Uncertain significance (2). Last evaluated 2023-03-03.

Conditions:
Myofibrillar myopathy 5. Also called: Filaminopathy (type); FILAMINOPATHY, AUTOSOMAL DOMINANT. Identifiers: Orphanet 171445, MedGen C1836050, MONDO:0012289, OMIM 609524.
Distal myopathy with posterior leg and anterior hand involvement. Also called: WILLIAMS DISTAL MYOPATHY. Identifiers: Orphanet 63273, MedGen C3279722, MONDO:0013550, OMIM 614065.
Hypertrophic cardiomyopathy 26. Also called: Cardiomyopathy, familial hypertrophic, 26. Identifiers: Orphanet 75249, MedGen C4310749, MONDO:0014883, OMIM 617047.

Allele frequency attached by ClinVar (database versions not stated): TOPMed below 0.00001; ESP Exome Variant Server 0.00008.

Submissions (2):

GeneDx
Classification: Uncertain significance. Last evaluated: 2023-03-03. Review status: criteria provided, single submitter. Criteria: GeneDx Variant Classification Process June 2021. Collection method: clinical testing. Allele origin: germline. Affected: yes.
Comment: Not observed at significant frequency in large population cohorts (gnomAD); In silico analysis supports that this missense variant has a deleterious effect on protein structure/function; Has not been previously published as pathogenic or benign to our knowledge

Labcorp Genetics (formerly Invitae), Labcorp
Classification: Uncertain significance for Distal myopathy with posterior leg and anterior hand involvement; Myofibrillar myopathy 5; Hypertrophic cardiomyopathy 26. Last evaluated: 2021-08-19. Review status: criteria provided, single submitter. Criteria: Invitae Variant Classification Sherloc (09022015). Collection method: clinical testing. Allele origin: germline.
Comment: This variant is not present in population databases (ExAC no frequency). Algorithms developed to predict the effect of missense changes on protein structure and function (SIFT, PolyPhen-2, Align-GVGD) all suggest that this variant is likely to be tolerated. This variant has not been reported in the literature in individuals affected with FLNC-related conditions. This sequence change replaces serine with glycine at codon 1927 of the FLNC protein (p.Ser1927Gly). The serine residue is moderately conserved and there is a small physicochemical difference between serine and glycine. In summary, the available evidence is currently insufficient to determine the role of this variant in disease. Therefore, it has been classified as a Variant of Uncertain Significance.

NM_001458.5(FLNC):c.5779A>G (p.Ser1927Gly)

Genes: FLNC-AS1 (FLNC antisense RNA 1; minus strand), FLNC (filamin C; plus strand). Cytogenetic location: 7q32.1.
Variant type: single nucleotide variant.
Coding change: c.5779A>G on transcript NM_001458.5 (MANE Select); coding-DNA position 5779, A replaced by G.
Protein change: p.Ser1927Gly; replaces serine 1927 with glycine.
Molecular consequence: missense variant.
Genome position (GRCh38, 1-based): chr7:128,851,565, A>G. VCF-style: chr7-128851565-A-G. GRCh37 (hg19) VCF-style: chr7-128491619-A-G.
Other names: c.5680A>G, p.Ser1894Gly (NM_001127487.2); c.5779A>G (NM_001458.4); short protein forms S1894G, S1927G.
Identifiers: ClinVar variation 1369853 (VCV001369853.7), dbSNP rs369518785, ClinGen allele CA166189044.